The following is an entry in ClinVar:

ClinVar aggregate classification (germline): Uncertain significance (1 of 4 stars; one submission).

Allele frequency attached by ClinVar (database versions not stated): gnomAD exomes 0.00001.
gnomAD v4.1: 4 of 1,614,026 alleles (0.00025%); highest among the groups gnomAD compares: Admixed American, 0.0067%; no homozygotes.

Submission:

Labcorp Genetics (formerly Invitae), Labcorp
Classification: Uncertain significance. Last evaluated: 2023-11-17. Review status: criteria provided, single submitter. Criteria: Invitae Variant Classification Sherloc (09022015). Collection method: clinical testing. Allele origin: germline.
Comment: This sequence change replaces phenylalanine, which is neutral and non-polar, with tyrosine, which is neutral and polar, at codon 25 of the CFHR5 protein (p.Phe25Tyr). This variant is present in population databases (no rsID available, gnomAD 0.003%). This variant has not been reported in the literature in individuals affected with CFHR5-related conditions. An algorithm developed to predict the effect of missense changes on protein structure and function (PolyPhen-2) suggests that this variant is likely to be tolerated. In summary, the available evidence is currently insufficient to determine the role of this variant in disease. Therefore, it has been classified as a Variant of Uncertain Significance.

NM_030787.4(CFHR5):c.74T>A (p.Phe25Tyr)

Gene: CFHR5 (complement factor H related 5; plus strand). Cytogenetic location: 1q31.3.
Variant type: single nucleotide variant.
Coding change: c.74T>A on transcript NM_030787.4 (MANE Select); coding-DNA position 74, T replaced by A.
Protein change: p.Phe25Tyr; replaces phenylalanine 25 with tyrosine.
Molecular consequence: missense variant.
Genome position (GRCh38, 1-based): chr1:196,982,900, T>A. VCF-style: chr1-196982900-T-A. GRCh37 (hg19) VCF-style: chr1-196952030-T-A.
Other names: short protein forms F25Y.
Identifiers: ClinVar variation 2980214 (VCV002980214.3), dbSNP rs1290211561, ClinGen allele CA343997383.